The following is an entry in ClinVar:

NM_000552.5(VWF):c.3619G>T (p.Ala1207Ser)

Gene: VWF (von Willebrand factor; minus strand). Cytogenetic location: 12p13.31.
Variant type: single nucleotide variant.
Coding change: c.3619G>T on transcript NM_000552.5 (MANE Select); coding-DNA position 3619, G replaced by T.
Protein change: p.Ala1207Ser; replaces alanine 1207 with serine.
Molecular consequence: missense variant.
Genome position (GRCh38, 1-based): chr12:6,021,955, C>A on the plus strand (G>T on the coding strand, the complement: VWF is on the minus strand). VCF-style: chr12-6021955-C-A. GRCh37 (hg19) VCF-style: chr12-6131121-C-A.
Other names: p.Ala1207Ser; c.3619G>T (NM_000552.4); short protein forms A1207S.
Identifiers: ClinVar variation 4200012 (VCV004200012.3).

ClinVar aggregate classification (germline): Uncertain significance. Review status: criteria provided, multiple submitters, no conflicts (2 of 4 stars). 3 submissions from 3 submitters: Uncertain significance (3). Last evaluated 2025-08-12.

Conditions:
Inborn genetic diseases. Identifiers: MedGen C0950123, MeSH D030342.

gnomAD v4.1: 33 of 1,614,060 alleles (0.002%); highest among the groups gnomAD compares: Middle Eastern, 0.033%; no homozygotes.

Submissions (3):

Ambry Genetics
Classification: Uncertain significance for Inborn genetic diseases. Last evaluated: 2025-08-12. Review status: criteria provided, single submitter. Criteria: Ambry Variant Classification Scheme 2023. Collection method: clinical testing. Allele origin: germline.

ARUP Laboratories, Molecular Genetics and Genomics, ARUP Laboratories
Classification: Uncertain significance. Last evaluated: 2025-07-08. Review status: criteria provided, single submitter. Criteria: ARUP Molecular Germline Variant Investigation Process 2024. Collection method: clinical testing. Allele origin: germline.
Comment: The VWF c.3619G>T; p.Ala1207Ser variant (rs776268929), to our knowledge, is not reported in the medical literature or gene specific databases. This variant is found in the general population with an overall allele frequency of 0.002% (5/282,872 alleles) in the Genome Aggregation Database (v2.1.1). Computational analyses predict that this variant is neutral (REVEL: 0.07). However, given the lack of clinical and functional data, the significance of this variant is uncertain at this time.

Mayo Clinic Laboratories, Mayo Clinic
Classification: Uncertain significance. Last evaluated: 2025-02-20. Review status: criteria provided, single submitter. Criteria: ACMG Guidelines, 2015. Collection method: clinical testing. Allele origin: germline. Observed: 1 variant allele.
Comment: BP4_moderate